The following is an entry in ClinVar:

ClinVar aggregate classification (germline): Likely pathogenic (1 of 4 stars; one submission).

Conditions:
Developmental and epileptic encephalopathy, 9 (DEE9). Also called: EPILEPSY, FEMALE-RESTRICTED, WITH MENTAL RETARDATION; Early infantile epileptic encephalopathy 9; JUBERG-HELLMAN SYNDROME; PCDH19-Related X-Linked Female-Limited Epilepsy with Mental Retardation. Identifiers: Orphanet 101039, Orphanet 2076, MedGen C1848137, MONDO:0010246, OMIM 300088. Disease mechanism: loss of function.

Submission:

New York Genome Center
Classification: Likely pathogenic for Developmental and epileptic encephalopathy, 9. Last evaluated: 2021-08-26. Review status: criteria provided, single submitter. Criteria: NYGC Assertion Criteria 2020. Collection method: clinical testing. Allele origin: de novo. Affected: yes. Observed: 1 heterozygote. Study: CSER-NYCKidSeq.
Comment: The de novo heterozygous c.1762A>C (p.Thr588Pro) missense variant identified in the PCDH19 gene has not been reported in affected individuals in the literature. The variant is absent from gnomAD(v3) database suggesting it is not a common benign variant in the populations represented in that database. The variant affects an evolutionarily conserved residue and is predicted deleterious by multiple in silico prediction tools (CADD score = 28.6, REVEL score = 0.699). This variant is located within the extracellular cadherin domain repeat– 6 (UniProtKB - Q8TAB3). Missense variants within this domain have been reported in individuals affected with PCDH19-related disorder [PMID: 29377098, 29301106]. Based on the available evidence, the de novo heterozygous c.1762A>C (p.Thr588Pro) missense variant identified in the PCDH19 gene is reported as Likely Pathogenic.

NM_001184880.2(PCDH19):c.1762A>C (p.Thr588Pro)

Gene: PCDH19 (protocadherin 19; minus strand). Cytogenetic location: Xq22.1.
Variant type: single nucleotide variant.
Coding change: c.1762A>C on transcript NM_001184880.2 (MANE Select); coding-DNA position 1762, A replaced by C.
Protein change: p.Thr588Pro; replaces threonine 588 with proline.
Molecular consequence: missense variant.
Genome position (GRCh38, 1-based): chrX:100,406,836, T>G on the plus strand (A>C on the coding strand, the complement: PCDH19 is on the minus strand). VCF-style: chrX-100406836-T-G. GRCh37 (hg19) VCF-style: chrX-99661834-T-G.
Other names: c.1762A>C, p.Thr588Pro (NM_001105243.2, NM_020766.3); short protein forms T588P.
Identifiers: ClinVar variation 1701751 (VCV001701751.1), dbSNP rs2147537859, ClinGen allele CA414002035.
Genomic context (GRCh38, chrX:100,406,836, plus strand): 5'-TCATGTCGTAGGTGACTCGGCCATTTTCGCCCTCATCGTAGTCTTCTGCCTTGACAACAG[T>G]CACCAGGTAGCCTATGCCAGAGTTGCGGGGTATGTAGACCTCGGCAGTGCCGTTAATCAG-3'
Protein context (NP_001171809.1, residues 578-598): PRNSGIGYLV[Thr588Pro]VVKAEDYDEG